The following is an entry in ClinVar:

ClinVar aggregate classification (germline): Uncertain significance. Review status: criteria provided, multiple submitters, no conflicts (2 of 4 stars). 3 submissions from 3 submitters: Uncertain significance (3). Last evaluated 2026-03-13.

Conditions:
Nephronophthisis 14 (NPHP14). Identifiers: Orphanet 2318, MedGen C3539071, MONDO:0013916, OMIM 614844.

Allele frequency attached by ClinVar (database versions not stated): gnomAD 0.00005 and 0.00004; ExAC 0.00002; gnomAD exomes 0.00002; TOPMed 0.00002.
gnomAD v4.1: 36 of 1,614,096 alleles (0.0022%); highest among the groups gnomAD compares: East Asian, 0.0089%; no homozygotes.

Submissions (3):

GeneDx
Classification: Uncertain significance. Last evaluated: 2026-03-13. Review status: criteria provided, single submitter. Criteria: GeneDx Variant Classification Process June 2021. Collection method: clinical testing. Allele origin: germline.
Comment: In silico analysis supports that this missense variant has a deleterious effect on protein structure/function; Has not been previously published as pathogenic or benign to our knowledge

Ambry Genetics
Classification: Uncertain significance. Last evaluated: 2024-10-25. Review status: criteria provided, single submitter. Criteria: Ambry Variant Classification Scheme 2023. Collection method: clinical testing. Allele origin: germline.

Labcorp Genetics (formerly Invitae), Labcorp
Classification: Uncertain significance for Nephronophthisis 14. Last evaluated: 2024-10-21. Review status: criteria provided, single submitter. Criteria: Invitae Variant Classification Sherloc (09022015). Collection method: clinical testing. Allele origin: germline.
Comment: This sequence change replaces arginine, which is basic and polar, with tryptophan, which is neutral and slightly polar, at codon 617 of the ZNF423 protein (p.Arg617Trp). This variant is present in population databases (rs771060189, gnomAD 0.02%). This variant has not been reported in the literature in individuals affected with ZNF423-related conditions. ClinVar contains an entry for this variant (Variation ID: 972482). Invitae Evidence Modeling of protein sequence and biophysical properties (such as structural, functional, and spatial information, amino acid conservation, physicochemical variation, residue mobility, and thermodynamic stability) indicates that this missense variant is not expected to disrupt ZNF423 protein function with a negative predictive value of 80%. In summary, the available evidence is currently insufficient to determine the role of this variant in disease. Therefore, it has been classified as a Variant of Uncertain Significance.

NM_001379286.1(ZNF423):c.1873C>T (p.Arg625Trp)

Gene: ZNF423 (zinc finger protein 423; minus strand). Cytogenetic location: 16q12.1.
Variant type: single nucleotide variant.
Coding change: c.1873C>T on transcript NM_001379286.1 (MANE Select); coding-DNA position 1873, C replaced by T.
Protein change: p.Arg625Trp; replaces arginine 625 with tryptophan.
Molecular consequence: missense variant.
Genome position (GRCh38, 1-based): chr16:49,637,303, G>A on the plus strand (C>T on the coding strand, the complement: ZNF423 is on the minus strand). VCF-style: chr16-49637303-G-A. GRCh37 (hg19) VCF-style: chr16-49671214-G-A.
Other names: c.1849C>T (NM_015069.2); c.1669C>T, p.Arg557Trp (NM_001271620.2); c.1498C>T, p.Arg500Trp (NM_001330533.2); c.1849C>T, p.Arg617Trp (NM_015069.5); short protein forms R625W, R500W, R557W, R617W.
Identifiers: ClinVar variation 972482 (VCV000972482.10), dbSNP rs771060189, ClinGen allele CA8046612.